The following is an entry in ClinVar:

NM_001077653.2(TBX20):c.390dup (p.Pro131fs)

Gene: TBX20 (T-box transcription factor 20; minus strand). Cytogenetic location: 7p14.2.
Variant type: Duplication.
Coding change: c.390dup on transcript NM_001077653.2 (MANE Select); coding-DNA position 390, one base duplicated (T; older notation c.390dupT).
Protein change: p.Pro131fs; shifts the reading frame from proline 131.
Molecular consequence: frameshift variant.
Genome position (GRCh38, 1-based): chr7:35,248,832, A duplicated on the plus strand (T on the coding strand, the reverse complement: TBX20 is on the minus strand); the first of 3 consecutive A bases (chr7:35,248,832-35,248,834); duplicating any one gives the same sequence. VCF-style (leftmost placement, unchanged base first): chr7-35248831-G-GA. GRCh37 (hg19) VCF-style: chr7-35288443-G-GA.
Other names: c.390dup, p.Pro131fs (NM_001166220.1); c.390dupT (NM_001077653.2); short protein forms P131fs.
Identifiers: ClinVar variation 1736104 (VCV001736104.2), dbSNP rs2546996539, ClinGen allele CA2580077073.

ClinVar aggregate classification (germline): Pathogenic (1 of 4 stars; one submission).

Conditions:
Cardiovascular phenotype. Identifiers: MedGen CN230736.

Submission:

Ambry Genetics
Classification: Pathogenic for Cardiovascular phenotype. Last evaluated: 2022-03-21. Review status: criteria provided, single submitter. Criteria: Ambry Variant Classification Scheme 2023. Collection method: clinical testing. Allele origin: germline.
Comment: The c.390dupT variant, located in coding exon 3 of the TBX20 gene, results from a duplication of T at nucleotide position 390, causing a translational frameshift with a predicted alternate stop codon (p.P131Sfs*13). This variant is considered to be rare based on population cohorts in the Genome Aggregation Database (gnomAD). This alteration is expected to result in loss of function by premature protein truncation or nonsense-mediated mRNA decay. As such, this alteration is interpreted as a disease-causing mutation.